The following is an entry in ClinVar:

ClinVar aggregate classification (germline): Uncertain significance. Review status: criteria provided, multiple submitters, no conflicts (2 of 4 stars). 3 submissions from 3 submitters: Uncertain significance (3). Last evaluated 2025-04-13.

Conditions:
Epidermolysis bullosa simplex 5B, with muscular dystrophy (EBS5B). Also called: EPIDERMOLYSIS BULLOSA SIMPLEX AND LIMB-GIRDLE MUSCULAR DYSTROPHY; Epidermolysis bullosa simplex with muscular dystrophy. Identifiers: Orphanet 257, MedGen C2931072, MONDO:0009181, OMIM 226670.
Epidermolysis bullosa simplex with nail dystrophy (EBS5D). Identifiers: MedGen C4225309, MONDO:0014661, OMIM 616487.
Epidermolysis bullosa simplex 5C, with pyloric atresia (EBS5C). Also called: PLEC-Related Epidermolysis Bullosa with Pyloric Atresia; Epidermolysis bullosa simplex with pyloric atresia; PLEC1-Related Epidermolysis Bullosa with Pyloric Atresia. Identifiers: Orphanet 158684, MedGen C2677349, MONDO:0012807, OMIM 612138.
Autosomal recessive limb-girdle muscular dystrophy type 2Q (LGMDR17). Also called: MUSCULAR DYSTROPHY, LIMB-GIRDLE, AUTOSOMAL RECESSIVE 17. Identifiers: Orphanet 254361, MedGen C3150989, MONDO:0013390, OMIM 613723.
Epidermolysis bullosa simplex, Ogna type (EBS5A). Also called: EPIDERMOLYSIS BULLOSA SIMPLEX 5A, OGNA TYPE; Pidermolysis bullosa simplex 5A, Ogna type. Identifiers: Orphanet 79401, MedGen C0432317, MONDO:0007555, OMIM 131950.
Inborn genetic diseases. Identifiers: MedGen C0950123, MeSH D030342.

Allele frequency attached by ClinVar (database versions not stated): gnomAD exomes 0.00001.
gnomAD v4.1: 7 of 1,612,564 alleles (0.00043%); highest among the groups gnomAD compares: South Asian, 0.0011%; no homozygotes.

Submissions (3):

Ambry Genetics
Classification: Uncertain significance for Inborn genetic diseases. Last evaluated: 2025-04-13. Review status: criteria provided, single submitter. Criteria: Ambry Variant Classification Scheme 2023. Collection method: clinical testing. Allele origin: germline.

Labcorp Genetics (formerly Invitae), Labcorp
Classification: Uncertain significance for Autosomal recessive limb-girdle muscular dystrophy type 2Q; Epidermolysis bullosa simplex, Ogna type; Epidermolysis bullosa simplex with nail dystrophy; Epidermolysis bullosa simplex 5C, with pyloric atresia; Epidermolysis bullosa simplex 5B, with muscular dystrophy. Last evaluated: 2023-10-15. Review status: criteria provided, single submitter. Criteria: Invitae Variant Classification Sherloc (09022015). Collection method: clinical testing. Allele origin: germline.
Comment: This sequence change replaces arginine, which is basic and polar, with tryptophan, which is neutral and slightly polar, at codon 261 of the PLEC protein (p.Arg261Trp). This variant is present in population databases (no rsID available, gnomAD 0.003%). This variant has not been reported in the literature in individuals affected with PLEC-related conditions. ClinVar contains an entry for this variant (Variation ID: 2434944). Experimental studies and prediction algorithms are not available or were not evaluated, and the functional significance of this variant is currently unknown. In summary, the available evidence is currently insufficient to determine the role of this variant in disease. Therefore, it has been classified as a Variant of Uncertain Significance.

Revvity Omics, Revvity
Classification: Uncertain significance. Last evaluated: 2019-06-06. Review status: criteria provided, single submitter. Criteria: ACMG Guidelines, 2015. Collection method: clinical testing. Allele origin: germline.

NM_201384.3(PLEC):c.700C>T (p.Arg234Trp)

Gene: PLEC (plectin; minus strand). Cytogenetic location: 8q24.3.
Variant type: single nucleotide variant.
Coding change: c.700C>T on transcript NM_201384.3 (MANE Select); coding-DNA position 700, C replaced by T.
Protein change: p.Arg234Trp; replaces arginine 234 with tryptophan.
Molecular consequence: missense variant.
Genome position (GRCh38, 1-based): chr8:143,935,216, G>A on the plus strand (C>T on the coding strand, the complement: PLEC is on the minus strand). VCF-style: chr8-143935216-G-A. GRCh37 (hg19) VCF-style: chr8-145009384-G-A.
Other names: c.781C>T, p.Arg261Trp (NM_000445.5, NM_001410941.1); c.658C>T, p.Arg220Trp (NM_201378.4); c.634C>T, p.Arg212Trp (NM_201379.3); c.1111C>T, p.Arg371Trp (NM_201380.4); c.604C>T, p.Arg202Trp (NM_201381.3); c.700C>T, p.Arg234Trp (NM_201382.4); c.712C>T, p.Arg238Trp (NM_201383.3); c.781C>T (NM_000445.3); short protein forms R202W, R212W, R220W, R234W, R238W, R261W, R371W.
Identifiers: ClinVar variation 2434944 (VCV002434944.7), dbSNP rs1554722091, ClinGen allele CA372587535.